The following is an entry in ClinVar:

ClinVar aggregate classification (germline): Pathogenic (1 of 4 stars; one submission).

Submission:

Labcorp Genetics (formerly Invitae), Labcorp
Classification: Pathogenic. Last evaluated: 2023-04-13. Review status: criteria provided, single submitter. Criteria: Invitae Variant Classification Sherloc (09022015). Collection method: clinical testing. Allele origin: germline.
Comment: For these reasons, this variant has been classified as Pathogenic. This variant has not been reported in the literature in individuals affected with SLC19A2-related conditions. This variant is not present in population databases (gnomAD no frequency). This sequence change creates a premature translational stop signal (p.Ser186Phefs*7) in the SLC19A2 gene. It is expected to result in an absent or disrupted protein product. Loss-of-function variants in SLC19A2 are known to be pathogenic (PMID: 10391221, 10391223, 10874303).

Literature cited by the submitters: PubMed 10391221; PubMed 10391223; PubMed 10874303.

NM_006996.3(SLC19A2):c.556_557insTTGGT (p.Ser186fs)

Gene: SLC19A2 (solute carrier family 19 member 2; minus strand). Cytogenetic location: 1q24.2.
Variant type: Insertion.
Coding change: c.556_557insTTGGT on transcript NM_006996.3 (MANE Select); coding-DNA positions 556 to 557, TTGGT inserted.
Protein change: p.Ser186fs; shifts the reading frame from serine 186.
Molecular consequence: frameshift variant. On other transcripts: intron variant (1).
Genome position: GRCh38 VCF-style: chr1-169477405-G-GACCAA. GRCh37 (hg19) VCF-style: chr1-169446643-G-GACCAA.
Other names: c.205-7220_205-7219insTGGTT (NM_001319667.1); short protein forms S186fs.
Identifiers: ClinVar variation 2855932 (VCV002855932.3), dbSNP rs2526256922, ClinGen allele CA2739275381.
Genomic context (GRCh38, chr1:169,477,405, plus strand): 5'-CAGGCCACAGCAAAAGCCACTGAAACACAGGTAAGAGAGATGACATTCAGGCTGAACAGC[G>GACCAA]ACCAGCCTGCCACTGAGACAAGGATTTGCCCTAGGACAGAGCCCACTGTAAAGCCCACCA-3'